The following is an entry in ClinVar:

NM_004836.7(EIF2AK3):c.3275C>T (p.Ser1092Phe)

Genes: EIF2AK3 (eukaryotic translation initiation factor 2 alpha kinase 3; minus strand), EIF2AK3-AS1 (EIF2AK3 antisense RNA 1; plus strand). Cytogenetic location: 2p11.2.
Variant type: single nucleotide variant.
Coding change: c.3275C>T on transcript NM_004836.7 (MANE Select); coding-DNA position 3275, C replaced by T.
Protein change: p.Ser1092Phe; replaces serine 1092 with phenylalanine.
Molecular consequence: missense variant.
Genome position (GRCh38, 1-based): chr2:88,557,812, G>A on the plus strand (C>T on the coding strand, the complement: EIF2AK3 is on the minus strand). VCF-style: chr2-88557812-G-A. GRCh37 (hg19) VCF-style: chr2-88857330-G-A.
Other names: c.2822C>T, p.Ser941Phe (NM_001313915.2); short protein forms S941F, S1092F.
Identifiers: ClinVar variation 1355527 (VCV001355527.9), dbSNP rs1279814645, ClinGen allele CA347583546.

ClinVar aggregate classification (germline): Uncertain significance. Review status: criteria provided, multiple submitters, no conflicts (2 of 4 stars). 2 submissions from 2 submitters: Uncertain significance (2). Last evaluated 2024-11-11.

Allele frequency attached by ClinVar (database versions not stated): gnomAD exomes below 0.00001; gnomAD 0.00001.
gnomAD v4.1: 2 of 1,614,046 alleles (0.00012%); highest among the groups gnomAD compares: Non-Finnish European, 0.00017%; no homozygotes.

Submissions (2):

Blueprint Genetics
Classification: Uncertain significance. Last evaluated: 2024-11-11. Review status: criteria provided, single submitter. Criteria: ACMG Guidelines, 2015. Collection method: clinical testing. Allele origin: germline.

Labcorp Genetics (formerly Invitae), Labcorp
Classification: Uncertain significance. Last evaluated: 2023-02-03. Review status: criteria provided, single submitter. Criteria: Invitae Variant Classification Sherloc (09022015). Collection method: clinical testing. Allele origin: germline.
Comment: This variant is present in population databases (no rsID available, gnomAD 0.0009%). This sequence change replaces serine, which is neutral and polar, with phenylalanine, which is neutral and non-polar, at codon 1092 of the EIF2AK3 protein (p.Ser1092Phe). This variant has not been reported in the literature in individuals affected with EIF2AK3-related conditions. In summary, the available evidence is currently insufficient to determine the role of this variant in disease. Therefore, it has been classified as a Variant of Uncertain Significance. Algorithms developed to predict the effect of missense changes on protein structure and function are either unavailable or do not agree on the potential impact of this missense change (SIFT: "Tolerated"; PolyPhen-2: "Probably Damaging"; Align-GVGD: "Class C0"). ClinVar contains an entry for this variant (Variation ID: 1355527).